The following is an entry in ClinVar:

NM_018245.3(OGDHL):c.1343C>T (p.Pro448Leu)

Gene: OGDHL (oxoglutarate dehydrogenase L; minus strand). Cytogenetic location: 10q11.23.
Variant type: single nucleotide variant.
Coding change: c.1343C>T on transcript NM_018245.3 (MANE Select); coding-DNA position 1343, C replaced by T.
Protein change: p.Pro448Leu; replaces proline 448 with leucine.
Molecular consequence: missense variant. On other transcripts: non-coding transcript variant (5), intron variant (4).
Genome position (GRCh38, 1-based): chr10:49,745,931, G>A on the plus strand (C>T on the coding strand, the complement: OGDHL is on the minus strand). VCF-style: chr10-49745931-G-A. GRCh37 (hg19) VCF-style: chr10-50953977-G-A.
Other names: c.716C>T, p.Pro239Leu (NM_001347821.2, NM_001347822.1, NM_001143997.2); c.280-435C>T (NM_001347826.1); c.1297-435C>T (NM_001347823.1, NM_001347824.2); c.670-435C>T (NM_001347825.2); c.1172C>T, p.Pro391Leu (NM_001143996.2, NM_001347820.1); c.1343C>T, p.Pro448Leu (NM_001347819.1); short protein forms P448L, P239L, P391L.
Identifiers: ClinVar variation 2623476 (VCV002623476.5), dbSNP rs774547776, ClinGen allele CA5498588.

ClinVar aggregate classification (germline): Uncertain significance. Review status: criteria provided, multiple submitters, no conflicts (2 of 4 stars). 2 submissions from 2 submitters: Uncertain significance (2). Last evaluated 2026-06-03.

Conditions:
Inborn genetic diseases. Identifiers: MedGen C0950123, MeSH D030342.
Yoon-Bellen neurodevelopmental syndrome (YOBELN). Identifiers: MedGen C5562066, MONDO:0859221, OMIM 619701.

Allele frequency attached by ClinVar (database versions not stated): gnomAD 0.00001; TOPMed 0.00002; ExAC 0.00004.
gnomAD v4.1: 21 of 1,614,104 alleles (0.0013%); highest among the groups gnomAD compares: East Asian, 0.0045%; no homozygotes.

Submissions (2):

Ambry Genetics
Classification: Uncertain significance for Inborn genetic diseases. Last evaluated: 2026-06-03. Review status: criteria provided, single submitter. Criteria: Ambry Variant Classification Scheme 2023. Collection method: clinical testing. Allele origin: germline.

Juno Genomics, Hangzhou Juno Genomics, Inc
Classification: Uncertain significance for Yoon-Bellen neurodevelopmental syndrome. Review status: criteria provided, single submitter. Criteria: ACMG Guidelines, 2015. Collection method: clinical testing. Allele origin: germline.
Comment: Absent from controls (or at extremely low frequency if recessive) in Genome Aggregation Database.;Multiple lines of computational evidence support a deleterious effect on the gene or gene product.